The following is an entry in ClinVar:

NM_001943.5(DSG2):c.138G>T (p.Arg46=)

Gene: DSG2 (desmoglein 2; plus strand). Cytogenetic location: 18q12.1.
Variant type: single nucleotide variant.
Coding change: c.138G>T on transcript NM_001943.5 (MANE Select); coding-DNA position 138, G replaced by T.
Protein change: p.Arg46=; no amino-acid change (arginine 46 retained).
Molecular consequence: synonymous variant.
Genome position (GRCh38, 1-based): chr18:31,519,859, G>T. VCF-style: chr18-31519859-G-T. GRCh37 (hg19) VCF-style: chr18-29099822-G-T.
Identifiers: ClinVar variation 1142707 (VCV001142707.12), dbSNP rs2073117347, ClinGen allele CA503596776.
Genomic context (GRCh38, chr18:31,519,859, plus strand): 5'-ATAGGTCTTAAGCACAAGAAATGAAAATAAGCTGCTTCCTAAACATCCTCATTTAGTGCG[G>T]CAAAAGCGCGCCTGGATCACCGCCCCCGTGGCTCTTCGGGAGGGAGAGGATCTGTCCAAG-3'
Protein context (NP_001934.2, residues 36-56): KLLPKHPHLV[Arg46=]QKRAWITAPV

ClinVar aggregate classification (germline): Conflicting classifications of pathogenicity. Review status: criteria provided, conflicting classifications (1 of 4 stars). 4 submissions from 4 submitters: Uncertain significance (1); Likely benign (3). Last evaluated 2025-06-23.

Conditions:
Arrhythmogenic right ventricular cardiomyopathy (ARVD). Also called: Cardiomyopathy, ARVC; Arrhythmogenic right ventricular dysplasia; Arrhythmogenic cardiomyopathy; Arrhythmogenic Right Ventricular Cardiomyopathy (ARVC). Identifiers: Orphanet 247, MedGen C0349788, MeSH D019571, MONDO:0016587. Disease mechanism: loss of function. Inheritance: Various modes of inheritance.
Arrhythmogenic right ventricular dysplasia 10. Also called: Arrhythmogenic Right Ventricular Dysplasia/Cardiomyopathy10; ARRHYTHMOGENIC RIGHT VENTRICULAR DYSPLASIA, FAMILIAL, 10; Arrhythmogenic right ventricular dysplasia/cardiomyopathy, type 10. Identifiers: MedGen C1857777, MONDO:0012434, OMIM 610193.
Cardiovascular phenotype. Identifiers: MedGen CN230736.
Cardiomyopathy (CMYO). Also called: Cardiomyopathies. Identifiers: Orphanet 167848, MedGen C0878544, MONDO:0004994, HP:0001638. Inheritance: Various modes of inheritance.

Allele frequency attached by ClinVar (database versions not stated): TOPMed 0.00001.

Submissions (4):

Color Diagnostics, LLC DBA Color Health
Classification: Likely benign for Cardiomyopathy. Last evaluated: 2025-06-23. Review status: criteria provided, single submitter. Criteria: ACMG Guidelines, 2015. Collection method: clinical testing. Allele origin: germline.

Labcorp Genetics (formerly Invitae), Labcorp
Classification: Likely benign for Arrhythmogenic right ventricular dysplasia 10. Last evaluated: 2024-07-02. Review status: criteria provided, single submitter. Criteria: Invitae Variant Classification Sherloc (09022015). Collection method: clinical testing. Allele origin: germline.

All of Us Research Program, National Institutes of Health
Classification: Uncertain significance for Arrhythmogenic right ventricular cardiomyopathy. Last evaluated: 2023-02-24. Review status: criteria provided, single submitter. Criteria: ACMG Guidelines, 2015. Collection method: clinical testing. Allele origin: germline. Inheritance: Autosomal dominant inheritance. Observed: 1 variant allele, 1 heterozygote.
Comment: This variant is located in the DSG2 protein. To our knowledge, functional studies have not been reported for this variant. This variant has not been reported in individuals affected with DSG2-related disorders in the literature. This variant has not been identified in the general population by the Genome Aggregation Database (gnomAD). The available evidence is insufficient to determine the role of this variant in disease conclusively. Therefore, this variant is classified as a Variant of Uncertain Significance.

This study involves interpretation of variants in research participants for the purpose of population health screening. Participant phenotype was not available at the time of variant classification. Additional details can be found in publication PMID: 35346344, PMCID: PMC8962531

Ambry Genetics
Classification: Likely benign for Cardiovascular phenotype. Last evaluated: 2022-09-24. Review status: criteria provided, single submitter. Criteria: Ambry Variant Classification Scheme 2023. Collection method: clinical testing. Allele origin: germline.